The following is an entry in ClinVar:

ClinVar aggregate classification (germline): Uncertain significance. Review status: criteria provided, multiple submitters, no conflicts (2 of 4 stars). 3 submissions from 3 submitters: Uncertain significance (3). Last evaluated 2026-01-26.

Conditions:
Inborn genetic diseases. Identifiers: MedGen C0950123, MeSH D030342.
Ullrich congenital muscular dystrophy 2 (UCMD2). Identifiers: Orphanet 75840, MedGen C4225314, MONDO:0014654, OMIM 616470.
Bethlem myopathy 2 (BTHLM2). Identifiers: Orphanet 536516, Orphanet 610, MedGen C4225313, MONDO:0034022, OMIM 616471.

Allele frequency attached by ClinVar (database versions not stated): gnomAD exomes below 0.00001.
gnomAD v4.1: 2 of 1,614,118 alleles (0.00012%); highest among the groups gnomAD compares: Non-Finnish European, 0.00017%; no homozygotes.

Submissions (3):

Dasa
Classification: Uncertain significance. Last evaluated: 2026-01-26. Review status: criteria provided, single submitter. Criteria: DASA Assertion Criteria. Collection method: clinical testing. Allele origin: germline.
Comment: NM_004370.6(COL12A1):c.5891A>G (p.Tyr1964Cys) is a missense variant that results in the substitution of tyrosine with cysteine. This variant is rare in population databases. Computational prediction algorithms are consistent with a deleterious effect. The currently available literature and clinical evidence are not sufficient to establish a definitive association between this variant and the reported condition. Therefore, this variant is classified as a variant of uncertain significance.

Ambry Genetics
Classification: Uncertain significance for Inborn genetic diseases. Last evaluated: 2025-12-09. Review status: criteria provided, single submitter. Criteria: Ambry Variant Classification Scheme 2023. Collection method: clinical testing. Allele origin: germline.

Labcorp Genetics (formerly Invitae), Labcorp
Classification: Uncertain significance for Bethlem myopathy 2; Ullrich congenital muscular dystrophy 2. Last evaluated: 2025-06-03. Review status: criteria provided, single submitter. Criteria: Invitae Variant Classification Sherloc (09022015). Collection method: clinical testing. Allele origin: germline.
Comment: This sequence change replaces tyrosine, which is neutral and polar, with cysteine, which is neutral and slightly polar, at codon 1964 of the COL12A1 protein (p.Tyr1964Cys). This variant is not present in population databases (gnomAD no frequency). This variant has not been reported in the literature in individuals affected with COL12A1-related conditions. ClinVar contains an entry for this variant (Variation ID: 1408201). Invitae Evidence Modeling of protein sequence and biophysical properties (such as structural, functional, and spatial information, amino acid conservation, physicochemical variation, residue mobility, and thermodynamic stability) indicates that this missense variant is expected to disrupt COL12A1 protein function with a positive predictive value of 80%. In summary, the available evidence is currently insufficient to determine the role of this variant in disease. Therefore, it has been classified as a Variant of Uncertain Significance.

NM_004370.6(COL12A1):c.5891A>G (p.Tyr1964Cys)

Gene: COL12A1 (collagen type XII alpha 1 chain; minus strand). Cytogenetic location: 6q13.
Variant type: single nucleotide variant.
Coding change: c.5891A>G on transcript NM_004370.6 (MANE Select); coding-DNA position 5891, A replaced by G.
Protein change: p.Tyr1964Cys; replaces tyrosine 1964 with cysteine.
Molecular consequence: missense variant.
Genome position (GRCh38, 1-based): chr6:75,131,986, T>C on the plus strand (A>G on the coding strand, the complement: COL12A1 is on the minus strand). VCF-style: chr6-75131986-T-C. GRCh37 (hg19) VCF-style: chr6-75841702-T-C.
Other names: c.2399A>G, p.Tyr800Cys (NM_080645.3); c.5891A>G (NM_004370.5); short protein forms Y800C, Y1964C.
Identifiers: ClinVar variation 1408201 (VCV001408201.11), dbSNP rs920578725, ClinGen allele CA140988349.